The following is an entry in ClinVar:

ClinVar aggregate classification (germline): Pathogenic/Likely pathogenic. Review status: criteria provided, multiple submitters, no conflicts (2 of 4 stars). 3 submissions from 3 submitters: Pathogenic (2); Likely pathogenic (1). Last evaluated 2023-11-14.

Conditions:
Cardiovascular phenotype. Identifiers: MedGen CN230736.
Hereditary cancer-predisposing syndrome. Also called: Neoplastic Syndromes, Hereditary; Tumor predisposition; Hereditary Cancer Syndrome; Hereditary neoplastic syndrome. Identifiers: Orphanet 140162, MedGen C0027672, MeSH D009386, MONDO:0015356.
LZTR1-related schwannomatosis. Also called: Schwannomatosis 2; Schwannomatosis-2, susceptibility to. Identifiers: Orphanet 93921, MedGen C3810283, MONDO:0014299, OMIM 615670.

Submissions (3):

Labcorp Genetics (formerly Invitae), Labcorp
Classification: Pathogenic. Last evaluated: 2023-11-14. Review status: criteria provided, single submitter. Criteria: Invitae Variant Classification Sherloc (09022015). Collection method: clinical testing. Allele origin: germline.
Comment: This sequence change creates a premature translational stop signal (p.Tyr747Thrfs*19) in the LZTR1 gene. It is expected to result in an absent or disrupted protein product. Loss-of-function variants in LZTR1 are known to be pathogenic (PMID: 24362817, 25335493, 25480913, 25795793, 29469822, 30368668, 30442762, 30442766, 30481304, 30859559). This variant is not present in population databases (gnomAD no frequency). This variant has not been reported in the literature in individuals affected with LZTR1-related conditions. For these reasons, this variant has been classified as Pathogenic.

Ambry Genetics
Classification: Pathogenic for Cardiovascular phenotype; Hereditary cancer-predisposing syndrome. Last evaluated: 2023-08-18. Review status: criteria provided, single submitter. Criteria: Ambry Variant Classification Scheme 2023. Collection method: clinical testing. Allele origin: germline.
Comment: The c.2239_2242delTACT pathogenic mutation, located in coding exon 19 of the LZTR1 gene, results from a deletion of 4 nucleotides at nucleotide positions 2239 to 2242, causing a translational frameshift with a predicted alternate stop codon (p.Y747Tfs*19). This variant is considered to be rare based on population cohorts in the Genome Aggregation Database (gnomAD). This alteration is expected to result in loss of function by premature protein truncation or nonsense-mediated mRNA decay. Loss-of-function variants in LZTR1 are related to an increased risk for schwannomas and autosomal recessive Noonan syndrome; however, such associations with autosomal dominant Noonan syndrome have not been observed (Piotrowski A et al. Nat Genet. 2014 Feb;46:182-7; Yamamoto GL et al. J Med Genet. 2015 Jun;52:413-21; Johnston JJ et al. Genet Med. 2018 10;20:1175-1185). Based on the supporting evidence, this variant is pathogenic for an increased risk of LZTR1-related schwannomatosis (SWN) and would be expected to cause autosomal recessive Noonan syndrome when present along with a second pathogenic or likely pathogenic variant on the other allele; however, the association of this alteration with autosomal dominant Noonan syndrome is unlikely.

Baylor Genetics
Classification: Likely pathogenic for LZTR1-related schwannomatosis. Last evaluated: 2022-10-19. Review status: criteria provided, single submitter. Criteria: ACMG Guidelines, 2015. Collection method: clinical testing. Allele origin: unknown.

Literature cited by the submitters: PubMed 24362817 (cited by Labcorp Genetics (formerly Invitae), Labcorp); PubMed 25335493 (cited by Labcorp Genetics (formerly Invitae), Labcorp); PubMed 25480913 (cited by Labcorp Genetics (formerly Invitae), Labcorp); PubMed 25795793 (cited by Labcorp Genetics (formerly Invitae), Labcorp); PubMed 29469822 (cited by Labcorp Genetics (formerly Invitae), Labcorp); PubMed 30368668 (cited by Labcorp Genetics (formerly Invitae), Labcorp); PubMed 30442762 (cited by Labcorp Genetics (formerly Invitae), Labcorp); PubMed 30442766 (cited by Labcorp Genetics (formerly Invitae), Labcorp); PubMed 30481304 (cited by Labcorp Genetics (formerly Invitae), Labcorp); PubMed 30859559 (cited by Labcorp Genetics (formerly Invitae), Labcorp).

NM_006767.4(LZTR1):c.2239_2242del (p.Tyr747fs)

Gene: LZTR1 (leucine zipper like post translational regulator 1; plus strand). Cytogenetic location: 22q11.21.
Variant type: Deletion.
Coding change: c.2239_2242del on transcript NM_006767.4 (MANE Select); coding-DNA positions 2239 to 2242, 4 bases deleted (TACT; older notation c.2239_2242delTACT).
Protein change: p.Tyr747fs; shifts the reading frame from tyrosine 747.
Molecular consequence: frameshift variant.
Genome position (GRCh38, 1-based): chr22:20,996,715-20,996,718, TACT deleted. VCF-style (leftmost placement, unchanged base first): chr22-20996714-CTACT-C. GRCh37 (hg19) VCF-style: chr22-21351003-CTACT-C.
Other names: c.2239_2242delTACT (NM_006767.3); short protein forms Y747fs.
Identifiers: ClinVar variation 2676416 (VCV002676416.5), dbSNP rs2518625645, ClinGen allele CA2695200076.
Genomic context (GRCh38, chr22:20,996,714, plus strand): 5'-GCGGACCAGCTTCCTTTAGTCAGCTCCTTAACCAGGCCCCAGCTACTTGTTTGCGGCCCC[CTACT>C]ACTACGGCTTCTACAACAACCGGCTGCAGGCGTACTGCAAGCAGAACCTGGAGATGAACG-3'